The following is an entry in ClinVar:

ClinVar aggregate classification (germline): Uncertain significance (1 of 4 stars; one submission).

Conditions:
Genitopatellar syndrome (GTPTS). Also called: ABSENT PATELLAE, SCROTAL HYPOPLASIA, RENAL ANOMALIES, FACIAL DYSMORPHISM, AND MENTAL RETARDATION; Genitopatellar syndrome (GPS). Identifiers: Orphanet 85201, MedGen C1853566, MONDO:0011640, OMIM 606170.

Allele frequency attached by ClinVar (database versions not stated): gnomAD exomes below 0.00001.
gnomAD v4.1: 1 of 1,614,260 alleles (0.000062%); highest among the groups gnomAD compares: Middle Eastern, 0.016%; no homozygotes.

Submission:

Labcorp Genetics (formerly Invitae), Labcorp
Classification: Uncertain significance for Genitopatellar syndrome. Last evaluated: 2022-10-25. Review status: criteria provided, single submitter. Criteria: Invitae Variant Classification Sherloc (09022015). Collection method: clinical testing. Allele origin: germline.
Comment: This sequence change replaces isoleucine, which is neutral and non-polar, with methionine, which is neutral and non-polar, at codon 129 of the KAT6B protein (p.Ile129Met). This variant is not present in population databases (gnomAD no frequency). This variant has not been reported in the literature in individuals affected with KAT6B-related conditions. Advanced modeling of protein sequence and biophysical properties (such as structural, functional, and spatial information, amino acid conservation, physicochemical variation, residue mobility, and thermodynamic stability) performed at Invitae indicates that this missense variant is not expected to disrupt KAT6B protein function. In summary, the available evidence is currently insufficient to determine the role of this variant in disease. Therefore, it has been classified as a Variant of Uncertain Significance.

NM_012330.4(KAT6B):c.387A>G (p.Ile129Met)

Gene: KAT6B (lysine acetyltransferase 6B; plus strand). Cytogenetic location: 10q22.2.
Variant type: single nucleotide variant.
Coding change: c.387A>G on transcript NM_012330.4 (MANE Select); coding-DNA position 387, A replaced by G.
Protein change: p.Ile129Met; replaces isoleucine 129 with methionine.
Molecular consequence: missense variant. On other transcripts: 5 prime UTR variant (2).
Genome position (GRCh38, 1-based): chr10:74,843,244, A>G. VCF-style: chr10-74843244-A-G. GRCh37 (hg19) VCF-style: chr10-76603002-A-G.
Other names: c.387A>G, p.Ile129Met (NM_001256468.2, NM_001256469.2, NM_001370132.1 and 10 more transcripts); c.-152A>G (NM_001370134.1, NM_001370135.1); short protein forms I129M.
Identifiers: ClinVar variation 2739960 (VCV002739960.3), dbSNP rs2548335377, ClinGen allele CA377399923.